The following continues an entry in ClinVar:

NM_000051.4(ATM):c.7788G>A (p.Glu2596=)

ClinVar aggregate classification (germline): Pathogenic/Likely pathogenic. Pathogenic (13); Likely pathogenic (1).

Submissions 12 to 16 of 16:

3billion
Classification: Pathogenic for Ataxia-telangiectasia syndrome. Last evaluated: 2022-09-01. Review status: criteria provided, single submitter. Criteria: ACMG Guidelines, 2015. Collection method: clinical testing. Allele origin: germline. Affected: yes. Observed: 1 homozygote.
Comment: The variant is observed at an extremely low frequency in the gnomAD v2.1.1 dataset (total allele frequency: <0.001%). Synonymous variant leading to alternate splicing. Functional studies provide strong evidence of the variant having a damaging effect on the gene or gene product (PMID: 23532176 , 25460276 , 9792409). In silico tools predict the variant to alter splicing and produce an abnormal transcript (SpliceAI: 0.81). The variant has been reported to be in trans with a pathogenic variant as either compound heterozygous or homozygous in at least one similarly affected unrelated individual (PMID: 26693373 , 9792409). The variant has been reported at least twice as pathogenic with clinical assertions and evidence for the classification (ClinVar ID: VCV000135778 / PMID: 26681312). Therefore, this variant is classified as Pathogenic according to the recommendation of ACMG/AMP guideline.

Women's Health and Genetics/Laboratory Corporation of America, LabCorp
Classification: Pathogenic for breast cancer. Last evaluated: 2020-08-26. Review status: criteria provided, single submitter. Criteria: LabCorp Variant Classification Summary - May 2015. Collection method: clinical testing. Allele origin: germline.
Comment: Variant summary: ATM c.7788G>A (p.Glu2596Glu) alters a conserved nucleotide located close to a canonical splice site and therefore could affect mRNA splicing, leading to a significantly altered protein sequence. Several computational tools predict a significant impact on normal splicing: Two predict the variant abolishes a 5 splicing donor site. One predicts the variant weakens a 5 donor site. The variant allele was found at a frequency of 4e-06 in 250802 control chromosomes (gnomAD). c.7788G>A has been reported in the literature in multiple individuals affected with ataxia-telangiectasia or ovarian cancer (Broeks_1998, Micol_2011, Aygun_2015, Arvai_2019). These data indicate that the variant is very likely to be associated with disease. At least one functional study reports this variant results in shortening ATM protein (skipping of exon 52) (Broeks_1998) and expected to result in in-frame deletion of the protein, comprising a large part of FAT domain involved in stability of the protein (Micol_2011, PMID: 23532176). Four ClinVar submitters (evaluation after 2014) cite the variant as pathogenic (2x) and likely pathogenic (2x). Based on the evidence outlined above, the variant was classified as pathogenic.

GeneDx
Classification: Pathogenic. Last evaluated: 2019-11-18. Review status: criteria provided, single submitter. Criteria: GeneDx Variant Classification Process June 2021. Collection method: clinical testing. Allele origin: germline. Affected: yes.
Comment: Alters the last nucleotide of the exon and is predicted to destroy the splice donor site, resulting in an in-frame deletion of exon 52, also known as exon 54 by alternate numbering, which has been confirmed with protein truncation testing (Broeks 1998); Observed with a pathogenic variant on the opposite allele (in trans) or in the homozygous state in unrelated patients with ataxia telangiectasia in the published literature (Broeks 1998, Aygun 2015); Not observed at a significant frequency in large population cohorts (Lek 2016); This variant is associated with the following publications: (PMID: 9792409, 25525159, 26681312, 26693373, 28126470, 32283892)

BRCAlab, Lund University
Classification: Likely pathogenic for Familial cancer of breast. Last evaluated: 2022-08-26. Review status: no assertion criteria provided. Collection method: clinical testing. Allele origin: germline. Affected: yes. Not counted in ClinVar's aggregate classification.

Counsyl
Classification: Likely pathogenic for Ataxia-telangiectasia syndrome. Last evaluated: 2017-02-10. Review status: no assertion criteria provided. Collection method: clinical testing. Allele origin: unknown. Not counted in ClinVar's aggregate classification.

Literature cited by the submitters: PubMed 9792409 (cited by 9 submitters); PubMed 26693373 (cited by 9 submitters); PubMed 17576681 (cited by Labcorp Genetics (formerly Invitae), Labcorp); PubMed 9536098 (cited by Labcorp Genetics (formerly Invitae), Labcorp); PubMed 34628594 (cited by Natera, Inc.); PubMed 33551102 (cited by 3 submitters); PubMed 38404774 (cited by Natera, Inc. and Color Diagnostics, LLC DBA Color Health); PubMed 32283892 (cited by Color Diagnostics, LLC DBA Color Health); PubMed 33547824 (cited by Color Diagnostics, LLC DBA Color Health and Myriad Genetics, Inc.); PubMed 35716007 (cited by Color Diagnostics, LLC DBA Color Health); PubMed 37540892 (cited by Color Diagnostics, LLC DBA Color Health); PubMed 38327652 (cited by Color Diagnostics, LLC DBA Color Health); PubMed 21665257 (cited by 3 submitters); PubMed 31341520 (cited by Department of Pathology and Laboratory Medicine, Sinai Health System and Women's Health and Genetics/Laboratory Corporation of America, LabCorp); PubMed 26681312 (cited by 3billion and Women's Health and Genetics/Laboratory Corporation of America, LabCorp); PubMed 23532176 (cited by 3billion); PubMed 25460276 (cited by 3billion); PubMed 14627829 (cited by Women's Health and Genetics/Laboratory Corporation of America, LabCorp); PubMed 25525159 (cited by Counsyl).